The following is an entry in ClinVar:

NM_000785.4(CYP27B1):c.1198T>G (p.Tyr400Asp)

Gene: CYP27B1 (cytochrome P450 family 27 subfamily B member 1; minus strand). Cytogenetic location: 12q14.1.
Variant type: single nucleotide variant.
Coding change: c.1198T>G on transcript NM_000785.4 (MANE Select); coding-DNA position 1198, T replaced by G.
Protein change: p.Tyr400Asp; replaces tyrosine 400 with aspartic acid.
Molecular consequence: missense variant.
Genome position (GRCh38, 1-based): chr12:57,764,115, A>C on the plus strand (T>G on the coding strand, the complement: CYP27B1 is on the minus strand). VCF-style: chr12-57764115-A-C. GRCh37 (hg19) VCF-style: chr12-58157898-A-C.
Other names: short protein forms Y400D.
Identifiers: ClinVar variation 1001177 (VCV001001177.8), dbSNP rs1955339362, ClinGen allele CA385502383.

ClinVar aggregate classification (germline): Uncertain significance (1 of 4 stars; one submission).

Submission:

Labcorp Genetics (formerly Invitae), Labcorp
Classification: Uncertain significance. Last evaluated: 2025-08-31. Review status: criteria provided, single submitter. Criteria: Invitae Variant Classification Sherloc (09022015). Collection method: clinical testing. Allele origin: germline.
Comment: This sequence change replaces tyrosine, which is neutral and polar, with aspartic acid, which is acidic and polar, at codon 400 of the CYP27B1 protein (p.Tyr400Asp). This variant is not present in population databases (gnomAD no frequency). This missense change has been observed in individual(s) with hypophosphatemia (internal data). In at least one individual the data is consistent with being in trans (on the opposite chromosome) from a pathogenic variant. ClinVar contains an entry for this variant (Variation ID: 1001177). Invitae Evidence Modeling of protein sequence and biophysical properties (such as structural, functional, and spatial information, amino acid conservation, physicochemical variation, residue mobility, and thermodynamic stability) indicates that this missense variant is expected to disrupt CYP27B1 protein function with a positive predictive value of 80%. In summary, the available evidence is currently insufficient to determine the role of this variant in disease. Therefore, it has been classified as a Variant of Uncertain Significance.